The following is an entry in ClinVar:

NM_001384140.1(PCDH15):c.3600T>A (p.Tyr1200Ter)

Gene: PCDH15 (protocadherin related 15; minus strand). Cytogenetic location: 10q21.1.
Variant type: single nucleotide variant.
Coding change: c.3600T>A on transcript NM_001384140.1 (MANE Select); coding-DNA position 3600, T replaced by A.
Protein change: p.Tyr1200Ter; replaces tyrosine 1200 with a stop codon.
Molecular consequence: nonsense.
Genome position (GRCh38, 1-based): chr10:53,866,759, A>T on the plus strand (T>A on the coding strand, the complement: PCDH15 is on the minus strand). VCF-style: chr10-53866759-A-T. GRCh37 (hg19) VCF-style: chr10-55626519-A-T.
Other names: c.3615T>A, p.Tyr1205Ter (NM_001142763.2, NM_001142771.2); c.3600T>A, p.Tyr1200Ter (NM_001142764.2, NM_001142766.2, NM_001142770.3 and 4 more transcripts); c.3387T>A, p.Tyr1129Ter (NM_001142765.2); c.3489T>A, p.Tyr1163Ter (NM_001142767.2); c.3534T>A, p.Tyr1178Ter (NM_001142768.2, NM_001142773.2, NM_001354404.2); c.3636T>A, p.Tyr1212Ter (NM_001142769.4); c.3621T>A, p.Tyr1207Ter (NM_001354411.2); short protein forms Y1129*, Y1163*, Y1178*, Y1200*, Y1205*, Y1207*, Y1212*.
Identifiers: ClinVar variation 1726750 (VCV001726750.3), dbSNP rs768989856, ClinGen allele CA376517238.

ClinVar aggregate classification (germline): Likely pathogenic. Review status: criteria provided, multiple submitters, no conflicts (2 of 4 stars). 2 submissions from 2 submitters: Likely pathogenic (2). Last evaluated 2021-12-31.

Conditions:
Usher syndrome type 1D (USH1D). Also called: USHER SYNDROME, TYPE ID. Identifiers: Orphanet 231169, Orphanet 886, MedGen C1832845, MONDO:0010984, OMIM 601067.
PCDH15-related disorder. Also called: PCDH15-related disorders; PCDH15-related condition.

Submissions (2):

Myriad Genetics, Inc.
Classification: Likely pathogenic for Usher syndrome type 1D. Last evaluated: 2021-12-31. Review status: criteria provided, single submitter. Criteria: Myriad Women's Health Autosomal Recessive and X-Linked Classification Criteria (2021). Collection method: clinical testing. Allele origin: unknown.
Comment: NM_033056.3(PCDH15):c.3600T>A(Y1200*) is expected to be pathogenic in the context of PCDH15-related disorders. This variant is predicted to lead to an abnormal or absent protein product due to the creation of a premature termination codon in PCDH15, a gene where loss-of-function variants are known to be pathogenic. Please note: this variant was assessed in the context of healthy population screening.

Blueprint Genetics
Classification: Likely pathogenic for PCDH15-related disorders. Last evaluated: 2019-10-09. Review status: criteria provided, single submitter. Criteria: ACMG Guidelines, 2015. Collection method: clinical testing. Allele origin: germline. Affected: yes. Observed: 2 variant alleles.